The following is an entry in ClinVar:

ClinVar aggregate classification (germline): Benign/Likely benign. Review status: criteria provided, multiple submitters, no conflicts (2 of 4 stars). 16 submissions from 16 submitters: Benign (10); Likely benign (5). 1 of the submissions does not count toward it. Last evaluated 2026-02-04.

Conditions:
Cardiovascular phenotype. Identifiers: MedGen CN230736.
Dystrophin deficiency.
Becker muscular dystrophy (BMD). Also called: MUSCULAR DYSTROPHY, PSEUDOHYPERTROPHIC PROGRESSIVE, BECKER TYPE; Becker Muscular Dystrophy (BMD). Identifiers: Orphanet 98895, MedGen C0917713, MONDO:0010311, OMIM 300376.
Cardiomyopathy (CMYO). Also called: Cardiomyopathies. Identifiers: Orphanet 167848, MedGen C0878544, MONDO:0004994, HP:0001638. Inheritance: Various modes of inheritance.
Duchenne muscular dystrophy (DMD). Also called: Duchenne Muscular Dystrophy (DMD); MUSCULAR DYSTROPHY, PSEUDOHYPERTROPHIC PROGRESSIVE, DUCHENNE TYPE. Identifiers: Orphanet 98896, MedGen C0013264, MONDO:0010679, OMIM 310200.
Dilated cardiomyopathy 3B (CMD3B). Also called: CMD3B: DMD-Related Dilated Cardiomyopathy; CARDIOMYOPATHY, DILATED, X-LINKED; DMD-Associated Dilated Cardiomyopathy. Identifiers: Orphanet 154, MedGen C3668940, MONDO:0010542, OMIM 302045.

Allele frequency attached by ClinVar (database versions not stated): gnomAD exomes 0.00610; gnomAD 0.01980 and 0.02084; ESP Exome Variant Server 0.02490; ExAC 0.00755; TOPMed 0.02248; 1000 Genomes Project 30x 0.02331; 1000 Genomes Project 0.02305.
gnomAD v4.1: 4,685 of 1,208,793 alleles (0.39%); highest among the groups gnomAD compares: African/African-American, 6.7%; 95 homozygotes.

Submissions (16):

Labcorp Genetics (formerly Invitae), Labcorp
Classification: Benign for Duchenne muscular dystrophy. Last evaluated: 2026-02-04. Review status: criteria provided, single submitter. Criteria: Invitae Variant Classification Sherloc (09022015). Collection method: clinical testing. Allele origin: germline.

ARUP Laboratories, Molecular Genetics and Genomics, ARUP Laboratories
Classification: Benign. Last evaluated: 2025-05-20. Review status: criteria provided, single submitter. Criteria: ARUP Molecular Germline Variant Investigation Process 2024. Collection method: clinical testing. Allele origin: germline.

Molecular Diagnostic Laboratory for Inherited Cardiovascular Disease, Montreal Heart Institute
Classification: Benign. Last evaluated: 2025-04-09. Review status: criteria provided, single submitter. Criteria: ACMG Guidelines, 2015. Collection method: clinical testing. Allele origin: germline. Affected: no.

Mayo Clinic Laboratories, Mayo Clinic
Classification: Benign. Last evaluated: 2023-12-13. Review status: criteria provided, single submitter. Criteria: ACMG Guidelines, 2015. Collection method: clinical testing. Allele origin: germline. Observed: 23 variant alleles.
Comment: BA1

Women's Health and Genetics/Laboratory Corporation of America, LabCorp
Classification: Likely benign. Last evaluated: 2021-12-10. Review status: criteria provided, single submitter. Criteria: LabCorp Variant Classification Summary - May 2015. Collection method: clinical testing. Allele origin: germline.

Fulgent Genetics
Classification: Likely benign for Becker muscular dystrophy; Dilated cardiomyopathy 3B; Duchenne muscular dystrophy. Last evaluated: 2021-11-05. Review status: criteria provided, single submitter. Criteria: ACMG Guidelines, 2015. Collection method: clinical testing. Allele origin: unknown.

Athena Diagnostics
Classification: Benign. Last evaluated: 2021-04-23. Review status: criteria provided, single submitter. Criteria: Athena Diagnostics criteria. Collection method: clinical testing. Allele origin: unknown.

GeneDx
Classification: Benign. Last evaluated: 2018-11-16. Review status: criteria provided, single submitter. Criteria: GeneDx Variant Classification Process June 2021. Collection method: clinical testing. Allele origin: germline. Affected: yes.
Comment: This variant is associated with the following publications: (PMID: 27896284, 23299917, 12354438, 27884173)

SIB Swiss Institute of Bioinformatics
Classification: Likely benign for Dilated cardiomyopathy 3B. Last evaluated: 2018-05-31. Review status: criteria provided, single submitter. Criteria: ACMG Guidelines, 2015. Collection method: curation. Allele origin: unknown.
Comment: This variant is interpreted as a Likely Benign, for Cardiomyopathy, dilated, 3B, in X-linked Dominant manner. The following ACMG Tag(s) were applied: BS1 => Allele frequency is greater than expected for disorder. BS2-Supporting => BS2 downgraded in strength to supporting.

Illumina Laboratory Services, Illumina
Classification: Likely benign for Dilated cardiomyopathy 3B. Last evaluated: 2017-04-27. Review status: criteria provided, single submitter. Criteria: ICSL Variant Classification Criteria 13 December 2019. Collection method: clinical testing. Allele origin: germline.
Comment: This variant was observed as part of a predisposition screen in an ostensibly healthy population. A literature search was performed for the gene, cDNA change, and amino acid change (where applicable). Publications were found based on this search. The evidence from the literature, in combination with allele frequency data from public databases where available, was sufficient to determine this variant is unlikely to cause disease. Therefore, this variant is classified as likely benign.

Ambry Genetics
Classification: Benign for Cardiovascular phenotype. Last evaluated: 2016-03-26. Review status: criteria provided, single submitter. Criteria: Ambry Variant Classification Scheme 2023. Collection method: clinical testing. Allele origin: germline.

Eurofins Ntd Llc (ga)
Classification: Benign. Last evaluated: 2016-01-25. Review status: criteria provided, single submitter. Criteria: EGL Classification Definitions 2015. Collection method: clinical testing. Allele origin: germline. Observed: 6 variant alleles, 3 heterozygotes, 3 hemizygotes.

Laboratory for Molecular Medicine, Mass General Brigham Personalized Medicine
Classification: Benign. Last evaluated: 2015-03-20. Review status: criteria provided, single submitter. Criteria: LMM Criteria. Collection method: clinical testing. Allele origin: germline. Observed: 7 variant alleles.
Comment: p.Asn1672Lys in exon 35 of DMD: This variant is not expected to have clinical si gnificance because it has been identified in 7.2% (760/10546) of African chromos omes by the Exome Aggregation Consortium (ExAC; dbSNP rs16990261).

Breakthrough Genomics
Classification: Likely benign. Review status: criteria provided, single submitter. Criteria: ACMG Guidelines, 2015. Collection method: not provided. Allele origin: germline. Inheritance: X-linked inheritance. Affected: yes.

PreventionGenetics, part of Exact Sciences
Classification: Benign. Review status: criteria provided, single submitter. Criteria: ACMG Guidelines, 2015. Collection method: clinical testing. Allele origin: germline.

Natera, Inc.
Classification: Benign for Becker muscular dystrophy; Cardiomyopathy; Duchenne muscular dystrophy; Dystrophin deficiency. Last evaluated: 2017-04-21. Review status: no assertion criteria provided. Collection method: clinical testing. Allele origin: germline. Not counted in ClinVar's aggregate classification.

Literature cited by the submitters: PubMed 12354438 (cited by 3 submitters); PubMed 23299917 (cited by Athena Diagnostics and Laboratory for Molecular Medicine, Mass General Brigham Personalized Medicine); PubMed 27896284 (cited by Athena Diagnostics); PubMed 19959795 (cited by Athena Diagnostics); PubMed 19937601 (cited by Illumina Laboratory Services, Illumina and Laboratory for Molecular Medicine, Mass General Brigham Personalized Medicine).

NM_004006.3(DMD):c.5016T>A (p.Asn1672Lys)

Gene: DMD (dystrophin; minus strand). Cytogenetic location: Xp21.1.
Variant type: single nucleotide variant.
Coding change: c.5016T>A on transcript NM_004006.3 (MANE Select); coding-DNA position 5016, T replaced by A.
Protein change: p.Asn1672Lys; replaces asparagine 1672 with lysine.
Molecular consequence: missense variant.
Genome position (GRCh38, 1-based): chrX:32,365,029, A>T on the plus strand (T>A on the coding strand, the complement: DMD is on the minus strand). VCF-style: chrX-32365029-A-T. GRCh37 (hg19) VCF-style: chrX-32383146-A-T.
Other names: p.N1672K:AAT>AAA; NM_000109.3(DMD):c.4992T>A(p.Asn1664Lys); NM_004006.2(DMD):c.5016T>A(p.Asn1672Lys); NM_004009.3(DMD):c.5004T>A(p.Asn1668Lys); NM_004010.3(DMD):c.4647T>A(p.Asn1549Lys); NM_004011.3(DMD):c.993T>A(p.Asn331Lys); NM_004012.3(DMD):c.984T>A(p.Asn328Lys); c.4992T>A, p.Asn1664Lys (NM_000109.4); and 4 more; short protein forms N1672K, N1664K, N1668K, N1549K, N328K, N331K.
Identifiers: ClinVar variation 94648 (VCV000094648.40), dbSNP rs16990264, ClinGen allele CA285574.